The following is an entry in ClinVar:

ClinVar aggregate classification (germline): Uncertain significance (1 of 4 stars; one submission).

Allele frequency attached by ClinVar (database versions not stated): gnomAD exomes below 0.00001.
gnomAD v4.1: 1 of 1,612,942 alleles (0.000062%); highest among the groups gnomAD compares: Non-Finnish European, 0.000085%; no homozygotes.

Submission:

GeneDx
Classification: Uncertain significance. Last evaluated: 2014-05-19. Review status: criteria provided, single submitter. Criteria: GeneDx Variant Classification (06012015). Collection method: clinical testing. Allele origin: germline. Affected: yes.
Comment: .p.Val404Gly (GTG>GGG): c.1211 T>G in exon 9 of the CTSD gene (NM_001909.4). A variant of unknown significance has been identified in the CTSD gene. The V404G variant has not been published as a mutation, nor has it been reported as a benign polymorphism to our knowledge. It was not observed in approximately 6,500 individuals of European and African American ancestry in the NHLBI Exome Sequencing Project, indicating it is not a common benign variant in these populations. This substitution occurs at a position that is conserved across species, and in silico analysis predicts this variant is probably damaging to the protein structure/function. However, the V404G variant is a conservative amino acid substitution, which is not likely to impact secondary protein structure as these residues share similar properties. Therefore, based on the currently available information, it is unclear whether this variant is a pathogenic mutation or a rare benign variant.The variant is found in EPILEPSY panel(s).

NM_001909.5(CTSD):c.1211T>G (p.Val404Gly)

Gene: CTSD (cathepsin D; minus strand). Cytogenetic location: 11p15.5.
Variant type: single nucleotide variant.
Coding change: c.1211T>G on transcript NM_001909.5 (MANE Select); coding-DNA position 1211, T replaced by G.
Protein change: p.Val404Gly; replaces valine 404 with glycine.
Molecular consequence: missense variant.
Genome position (GRCh38, 1-based): chr11:1,753,531, A>C on the plus strand (T>G on the coding strand, the complement: CTSD is on the minus strand). VCF-style: chr11-1753531-A-C. GRCh37 (hg19) VCF-style: chr11-1774761-A-C.
Other names: p.V404G:GTG>GGG; short protein forms V404G.
Identifiers: ClinVar variation 205347 (VCV000205347.2), dbSNP rs796052399, ClinGen allele CA314336.